The following is an entry in ClinVar:

NM_001008216.2(GALE):c.152_155del (p.Arg51fs)

Gene: GALE (UDP-galactose-4-epimerase; minus strand). Cytogenetic location: 1p36.11.
Variant type: Deletion.
Coding change: c.152_155del on transcript NM_001008216.2 (MANE Select); coding-DNA positions 152 to 155, 4 bases deleted (GGGT; older notation c.152_155delGGGT).
Protein change: p.Arg51fs; shifts the reading frame from arginine 51.
Molecular consequence: frameshift variant.
Genome position (GRCh38, 1-based): chr1:23,798,697-23,798,700, ACCC deleted on the plus strand (GGGT on the coding strand, the reverse complement: GALE is on the minus strand). VCF-style (leftmost placement, unchanged base first): chr1-23798696-GACCC-G. GRCh37 (hg19) VCF-style: chr1-24125186-GACCC-G.
Other names: c.152_155del, p.Arg51fs (NM_000403.4, NM_001127621.2); short protein forms R51fs.
Identifiers: ClinVar variation 2843503 (VCV002843503.3), dbSNP rs2521320879, ClinGen allele CA2739272414.

ClinVar aggregate classification (germline): Pathogenic (1 of 4 stars; one submission).

Conditions:
UDPglucose-4-epimerase deficiency. Also called: UDPglucose 4-Epimerase Deficiency Disease; Epimerase Deficiency Galactosemia; GALACTOSEMIA III; GALE DEFICIENCY; UDP-GALACTOSE-4-EPIMERASE DEFICIENCY; Galactose epimerase deficiency. Identifiers: Orphanet 352, Orphanet 79238, MedGen C0751161, MONDO:0009257, OMIM 230350.

Submission:

Labcorp Genetics (formerly Invitae), Labcorp
Classification: Pathogenic for UDPglucose-4-epimerase deficiency. Last evaluated: 2023-03-07. Review status: criteria provided, single submitter. Criteria: Invitae Variant Classification Sherloc (09022015). Collection method: clinical testing. Allele origin: germline.
Comment: This sequence change creates a premature translational stop signal (p.Arg51Profs*4) in the GALE gene. It is expected to result in an absent or disrupted protein product. Loss-of-function variants in GALE are known to be pathogenic (PMID: 16301867). This variant is not present in population databases (gnomAD no frequency). This variant has not been reported in the literature in individuals affected with GALE-related conditions. For these reasons, this variant has been classified as Pathogenic.

Literature cited by the submitters: PubMed 16301867.